The following is an entry in ClinVar:

ClinVar aggregate classification (germline): Benign. Review status: criteria provided, single submitter (1 of 4 stars). 2 submissions from 2 submitters: Benign (1). 1 of the submissions does not count toward it. Last evaluated 2024-11-26.

Conditions:
EXO1-related disorder. Also called: EXO1-related condition.

Allele frequency attached by ClinVar (database versions not stated): 1000 Genomes Project 0.91534; 1000 Genomes Project 30x 0.91786; TOPMed 0.93992; ESP Exome Variant Server 0.94520; gnomAD 0.94592; ExAC 0.95637.
gnomAD v4.1: 1,529,062 of 1,582,088 alleles (97%); highest among the groups gnomAD compares: Non-Finnish European, 98%; 739,663 homozygotes.

Submissions (2):

Blueprint Genetics
Classification: Benign. Last evaluated: 2024-11-26. Review status: criteria provided, single submitter. Criteria: ACMG Guidelines, 2015. Collection method: clinical testing. Allele origin: germline.

PreventionGenetics, part of Exact Sciences
Classification: Benign for EXO1-related condition. Last evaluated: 2019-10-17. Review status: no assertion criteria provided. Collection method: clinical testing. Allele origin: germline. Not counted in ClinVar's aggregate classification.
Comment: This variant is classified as benign based on ACMG/AMP sequence variant interpretation guidelines (Richards et al. 2015 PMID: 25741868, with internal and published modifications).

NM_130398.4(EXO1):c.2167C>T (p.Arg723Cys)

Gene: EXO1 (exonuclease 1; plus strand). Cytogenetic location: 1q43.
Variant type: single nucleotide variant.
Coding change: c.2167C>T on transcript NM_130398.4 (MANE Select); coding-DNA position 2167, C replaced by T.
Protein change: p.Arg723Cys; replaces arginine 723 with cysteine.
Molecular consequence: missense variant.
Genome position (GRCh38, 1-based): chr1:241,881,973, C>T. VCF-style: chr1-241881973-C-T. GRCh37 (hg19) VCF-style: chr1-242045275-C-T.
Other names: c.2164C>T, p.Arg722Cys (NM_001319224.2); c.2167C>T, p.Arg723Cys (NM_003686.4, NM_006027.4); short protein forms R722C, R723C.
Identifiers: ClinVar variation 3060120 (VCV003060120.3), dbSNP rs1635498, ClinGen allele CA1481543.